The following is an entry in ClinVar:

NM_000179.3(MSH6):c.2845dup (p.Gln949fs)

Gene: MSH6 (mutS homolog 6; plus strand). Cytogenetic location: 2p16.3.
Variant type: Duplication.
Coding change: c.2845dup on transcript NM_000179.3 (MANE Select); coding-DNA position 2845, one base duplicated (C; older notation c.2845dupC).
Protein change: p.Gln949fs; shifts the reading frame from glutamine 949.
Molecular consequence: frameshift variant.
Genome position (GRCh38, 1-based): chr2:47,800,828, C duplicated. VCF-style (leftmost placement, unchanged base first): chr2-47800827-A-AC. GRCh37 (hg19) VCF-style: chr2-48027966-A-AC.
Other names: c.2767dup, p.Gln923Profs (NM_001406804.1); c.2548dup, p.Gln850Profs (NM_001406805.1, NM_001406797.1, NM_001406801.1 and 10 more transcripts); c.2320dup, p.Gln774Profs (NM_001406806.1, NM_001406807.1, NM_001406799.1); c.2845dup, p.Gln949Profs (NM_001406808.1, NM_001406809.1, NM_001406796.1 and 2 more transcripts); c.1939dup, p.Gln647Profs (NM_001406811.1, NM_001406812.1, NM_001406814.1 and 4 more transcripts); c.2851dup, p.Gln951Profs (NM_001406813.1); c.2455dup, p.Gln819fs (NM_001281492.2); c.1939dup, p.Gln647fs (NM_001281493.2, NM_001281494.2); and 3 more; short protein forms Q647fs, Q819fs, Q949fs.
Identifiers: ClinVar variation 2005400 (VCV002005400.4), dbSNP rs2530697074, ClinGen allele CA2580068085.

ClinVar aggregate classification (germline): Pathogenic (1 of 4 stars; one submission).

Conditions:
Hereditary nonpolyposis colorectal neoplasms. Identifiers: MedGen C0009405, MeSH D003123.

Submission:

Labcorp Genetics (formerly Invitae), Labcorp
Classification: Pathogenic for Hereditary nonpolyposis colorectal neoplasms. Last evaluated: 2022-06-13. Review status: criteria provided, single submitter. Criteria: Invitae Variant Classification Sherloc (09022015). Collection method: clinical testing. Allele origin: germline.
Comment: This sequence change creates a premature translational stop signal (p.Gln949Profs*17) in the MSH6 gene. It is expected to result in an absent or disrupted protein product. Loss-of-function variants in MSH6 are known to be pathogenic (PMID: 18269114, 24362816). This variant is not present in population databases (gnomAD no frequency). For these reasons, this variant has been classified as Pathogenic. This variant has not been reported in the literature in individuals affected with MSH6-related conditions.

Literature cited by the submitters: PubMed 18269114; PubMed 24362816.